The following is an entry in ClinVar:

ClinVar aggregate classification (germline): Likely benign. Review status: criteria provided, single submitter (1 of 4 stars). 2 submissions from 2 submitters: Likely benign (1). 1 of the submissions does not count toward it. Last evaluated 2026-01-28.

Conditions:
HSD17B3-related disorder. Also called: HSD17B3-related condition.

Allele frequency attached by ClinVar (database versions not stated): gnomAD exomes 0.00008 and 0.00022; ExAC 0.00026; ESP Exome Variant Server 0.00077; gnomAD 0.00077 and 0.00079; TOPMed 0.00095; 1000 Genomes Project 0.00140; 1000 Genomes Project 30x 0.00141.
gnomAD v4.1: 234 of 1,612,560 alleles (0.015%); highest among the groups gnomAD compares: African/African-American, 0.28%; no homozygotes.

Submissions (2):

Labcorp Genetics (formerly Invitae), Labcorp
Classification: Likely benign. Last evaluated: 2026-01-28. Review status: criteria provided, single submitter. Criteria: Invitae Variant Classification Sherloc (09022015). Collection method: clinical testing. Allele origin: germline.

PreventionGenetics, part of Exact Sciences
Classification: Likely benign for HSD17B3-related condition. Last evaluated: 2023-01-10. Review status: no assertion criteria provided. Collection method: clinical testing. Allele origin: germline. Not counted in ClinVar's aggregate classification.
Comment: This variant is classified as likely benign based on ACMG/AMP sequence variant interpretation guidelines (Richards et al. 2015 PMID: 25741868, with internal and published modifications).

NM_000197.2(HSD17B3):c.304A>T (p.Ile102Phe)

Genes: SLC35D2-HSD17B3 (SLC35D2-HSD17B3 readthrough; minus strand), HSD17B3 (hydroxysteroid 17-beta dehydrogenase 3; minus strand). Cytogenetic location: 9q22.32.
Variant type: single nucleotide variant.
Coding change: c.304A>T on transcript NM_000197.2 (MANE Select); coding-DNA position 304, A replaced by T.
Protein change: p.Ile102Phe; replaces isoleucine 102 with phenylalanine.
Molecular consequence: missense variant.
Genome position (GRCh38, 1-based): chr9:96,252,884, T>A on the plus strand (A>T on the coding strand, the complement: HSD17B3 is on the minus strand). VCF-style: chr9-96252884-T-A. GRCh37 (hg19) VCF-style: chr9-99015166-T-A.
Other names: short protein forms I102F.
Identifiers: ClinVar variation 724742 (VCV000724742.8), dbSNP rs116436956, ClinGen allele CA5140456.